The following is an entry in ClinVar:

ClinVar aggregate classification (germline): Uncertain significance (1 of 4 stars; one submission).

Submission:

Women's Health and Genetics/Laboratory Corporation of America, LabCorp
Classification: Uncertain significance. Last evaluated: 2025-06-17. Review status: criteria provided, single submitter. Criteria: LabCorp Variant Classification Summary - May 2015. Collection method: clinical testing. Allele origin: germline.
Comment: Variant summary: ARSB c.311A>G (p.Gln104Arg) results in a conservative amino acid change in the encoded protein sequence. Algorithms developed to predict the effect of missense changes on protein structure and function are either unavailable or do not agree on the potential impact of this missense change. Several computational tools predict a significant impact on normal splicing: Three predict the variant weakens a 5' donor site. However, these predictions have yet to be confirmed by functional studies. The variant was absent in 102468 control chromosomes. The available data on variant occurrences in the general population are insufficient to allow any conclusion about variant significance. To our knowledge, no occurrence of c.311A>G in individuals affected with Mucopolysaccharidosis Type VI (Maroteaux-Lamy Syndrome) and no experimental evidence demonstrating its impact on protein function have been reported. No submitters have cited clinical-significance assessments for this variant to ClinVar. Based on the evidence outlined above, the variant was classified as uncertain significance.

NM_000046.5(ARSB):c.311A>G (p.Gln104Arg)

Genes: ARSB (arylsulfatase B; minus strand), LOC129994126 (ATAC-STARR-seq lymphoblastoid silent region 16127; plus strand). Cytogenetic location: 5q14.1.
Variant type: single nucleotide variant.
Coding change: c.311A>G on transcript NM_000046.5 (MANE Select); coding-DNA position 311, A replaced by G.
Protein change: p.Gln104Arg; replaces glutamine 104 with arginine.
Molecular consequence: missense variant.
Genome position (GRCh38, 1-based): chr5:78,984,938, T>C on the plus strand (A>G on the coding strand, the complement: ARSB is on the minus strand). VCF-style: chr5-78984938-T-C. GRCh37 (hg19) VCF-style: chr5-78280761-T-C.
Other names: c.311A>G, p.Gln104Arg (NM_198709.3); short protein forms Q104R.
Identifiers: ClinVar variation 3907060 (VCV003907060.1).